The following is an entry in ClinVar:

NM_020706.2(SCAF4):c.3288_3292dup (p.Ser1098fs)

Gene: SCAF4 (SR-related CTD associated factor 4; minus strand). Cytogenetic location: 21q22.11.
Variant type: Duplication.
Coding change: c.3288_3292dup on transcript NM_020706.2 (MANE Select); coding-DNA positions 3288 to 3292, 5 bases duplicated (CATTA; older notation c.3288_3292dupCATTA).
Protein change: p.Ser1098fs; shifts the reading frame from serine 1098.
Molecular consequence: frameshift variant.
Genome position (GRCh38, 1-based): chr21:31,671,551-31,671,555, TAATG duplicated on the plus strand (CATTA on the coding strand, the reverse complement: SCAF4 is on the minus strand). VCF-style (leftmost placement, unchanged base first): chr21-31671550-C-CTAATG. GRCh37 (hg19) VCF-style: chr21-33043863-C-CTAATG.
Other names: c.3243_3247dup, p.Ser1083fs (NM_001145444.1); c.3222_3226dup, p.Ser1076fs (NM_001145445.1); short protein forms S1076fs, S1083fs, S1098fs.
Identifiers: ClinVar variation 5017171 (VCV005017171.1).
Genomic context (GRCh38, chr21:31,671,550, plus strand): 5'-ACTGCAGCCTCAGACACCCCCTTCTCAAGTTCTGAAGCAGTGTCTACATTTCCCACTTGG[C>CTAATG]TAATGGGAGGTTCAACGGTTTTGTTACCACCTGCCCTGTCTGTCACCTCAGGCTTTTCCT-3'

ClinVar aggregate classification (germline): Uncertain significance (1 of 4 stars; one submission).

Submission:

GeneDx
Classification: Uncertain significance. Last evaluated: 2026-03-20. Review status: criteria provided, single submitter. Criteria: GeneDx Variant Classification Process June 2021. Collection method: clinical testing. Allele origin: germline.
Comment: Not observed at significant frequency in large population cohorts (gnomAD); Frameshift variant predicted to result in abnormal protein length as the last 50 amino acid(s) are replaced with 7 different amino acid(s); Has not been previously published as pathogenic or benign to our knowledge